The following is an entry in ClinVar:

NM_001261826.3(AP3D1):c.2468A>G (p.Asn823Ser)

Gene: AP3D1 (adaptor related protein complex 3 subunit delta 1; minus strand). Cytogenetic location: 19p13.3.
Variant type: single nucleotide variant.
Coding change: c.2468A>G on transcript NM_001261826.3 (MANE Select); coding-DNA position 2468, A replaced by G.
Protein change: p.Asn823Ser; replaces asparagine 823 with serine.
Molecular consequence: missense variant.
Genome position (GRCh38, 1-based): chr19:2,114,258, T>C on the plus strand (A>G on the coding strand, the complement: AP3D1 is on the minus strand). VCF-style: chr19-2114258-T-C. GRCh37 (hg19) VCF-style: chr19-2114257-T-C.
Other names: c.2468A>G, p.Asn823Ser (NM_001374799.1, NM_003938.8); short protein forms N823S.
Identifiers: ClinVar variation 4720021 (VCV004720021.1).

ClinVar aggregate classification (germline): Uncertain significance (1 of 4 stars; one submission).

gnomAD v4.1: 1 of 1,612,398 alleles (0.000062%); highest among the groups gnomAD compares: East Asian, 0.0022%; no homozygotes.

Submission:

Labcorp Genetics (formerly Invitae), Labcorp
Classification: Uncertain significance. Last evaluated: 2025-05-27. Review status: criteria provided, single submitter. Criteria: Invitae Variant Classification Sherloc (09022015). Collection method: clinical testing. Allele origin: germline.
Comment: This sequence change replaces asparagine, which is neutral and polar, with serine, which is neutral and polar, at codon 823 of the AP3D1 protein (p.Asn823Ser). This variant is not present in population databases (gnomAD no frequency). This variant has not been reported in the literature in individuals affected with AP3D1-related conditions. An algorithm developed to predict the effect of missense changes on protein structure and function (PolyPhen-2) suggests that this variant is likely to be tolerated. In summary, the available evidence is currently insufficient to determine the role of this variant in disease. Therefore, it has been classified as a Variant of Uncertain Significance.